The following is an entry in ClinVar:

ClinVar aggregate classification (germline): Likely benign (0 of 4 stars; one submission).

Conditions:
MYH9-related disorder. Identifiers: MedGen C1854520.

gnomAD v4.1: 5 of 1,613,674 alleles (0.00031%); highest among the groups gnomAD compares: African/African-American, 0.0027%; no homozygotes.

Submission:

PreventionGenetics, part of Exact Sciences
Classification: Likely benign for MYH9-related condition. Last evaluated: 2024-08-07. Review status: no assertion criteria provided. Collection method: clinical testing. Allele origin: germline.
Comment: This variant is classified as likely benign based on ACMG/AMP sequence variant interpretation guidelines (Richards et al. 2015 PMID: 25741868, with internal and published modifications).

NM_002473.6(MYH9):c.4932+6G>T

Gene: MYH9 (myosin heavy chain 9; minus strand). Cytogenetic location: 22q12.3.
Variant type: single nucleotide variant.
Coding change: c.4932+6G>T on transcript NM_002473.6 (MANE Select); 6 bases into the intron after coding-DNA position 4932, G replaced by T.
Molecular consequence: intron variant.
Genome position (GRCh38, 1-based): chr22:36,288,246, C>A on the plus strand (G>T on the coding strand, the complement: MYH9 is on the minus strand). VCF-style: chr22-36288246-C-A. GRCh37 (hg19) VCF-style: chr22-36684292-C-A.
Identifiers: ClinVar variation 3350807 (VCV003350807.1).